The following is an entry in ClinVar:

ClinVar aggregate classification (germline): Pathogenic (1 of 4 stars; one submission).

gnomAD v4.1: 1 of 1,609,868 alleles (0.000062%); highest among the groups gnomAD compares: African/African-American, 0.0013%; no homozygotes.

Submission:

Labcorp Genetics (formerly Invitae), Labcorp
Classification: Pathogenic. Last evaluated: 2026-01-11. Review status: criteria provided, single submitter. Criteria: Invitae Variant Classification Sherloc (09022015). Collection method: clinical testing. Allele origin: germline.
Comment: This sequence change creates a premature translational stop signal (p.Lys816*) in the ENPP1 gene. It is expected to result in an absent or disrupted protein product. Loss-of-function variants in ENPP1 are known to be pathogenic (PMID: 12881724, 15605415, 16369898, 20016754, 20137773, 22539483). This variant is not present in population databases (gnomAD no frequency). This variant has not been reported in the literature in individuals affected with ENPP1-related conditions. For these reasons, this variant has been classified as Pathogenic.

Literature cited by the submitters: PubMed 12881724; PubMed 15605415; PubMed 16369898; PubMed 20016754; PubMed 20137773; PubMed 22539483.

NM_006208.3(ENPP1):c.2446A>T (p.Lys816Ter)

Gene: ENPP1 (ectonucleotide pyrophosphatase/phosphodiesterase 1; plus strand). Cytogenetic location: 6q23.2.
Variant type: single nucleotide variant.
Coding change: c.2446A>T on transcript NM_006208.3 (MANE Select); coding-DNA position 2446, A replaced by T.
Protein change: p.Lys816Ter; replaces lysine 816 with a stop codon.
Molecular consequence: nonsense.
Genome position (GRCh38, 1-based): chr6:131,886,563, A>T. VCF-style: chr6-131886563-A-T. GRCh37 (hg19) VCF-style: chr6-132207703-A-T.
Other names: short protein forms K816*.
Identifiers: ClinVar variation 4696877 (VCV004696877.1).